The following is an entry in ClinVar:

NM_024537.4(CARS2):c.71C>T (p.Ala24Val)

Genes: CARS2 (cysteinyl-tRNA synthetase 2, mitochondrial; minus strand), LOC130010127 (ATAC-STARR-seq lymphoblastoid silent region 5509; plus strand). Cytogenetic location: 13q34.
Variant type: single nucleotide variant.
Coding change: c.71C>T on transcript NM_024537.4 (MANE Select); coding-DNA position 71, C replaced by T.
Protein change: p.Ala24Val; replaces alanine 24 with valine.
Molecular consequence: missense variant. On other transcripts: non-coding transcript variant (1), intron variant (1).
Genome position (GRCh38, 1-based): chr13:110,706,023, G>A on the plus strand (C>T on the coding strand, the complement: CARS2 is on the minus strand). VCF-style: chr13-110706023-G-A. GRCh37 (hg19) VCF-style: chr13-111358370-G-A.
Other names: c.71C>T, p.Ala24Val (NM_001352253.3); c.-776+348C>T (NM_001352252.2); short protein forms A24V.
Identifiers: ClinVar variation 853912 (VCV000853912.10), dbSNP rs990590876, ClinGen allele CA256331124.

ClinVar aggregate classification (germline): Uncertain significance (1 of 4 stars; one submission).

Conditions:
Combined oxidative phosphorylation defect type 27. Also called: Combined oxidative phosphorylation deficiency 27. Identifiers: Orphanet 477774, MedGen C5567608, MONDO:0014728, OMIM 616672.

Allele frequency attached by ClinVar (database versions not stated): TOPMed 0.00002; gnomAD 0.00003; gnomAD exomes 0.00002 and 0.00005.
gnomAD v4.1: 68 of 1,433,114 alleles (0.0047%); highest among the groups gnomAD compares: African/African-American, 0.0075%; no homozygotes.

Submission:

Labcorp Genetics (formerly Invitae), Labcorp
Classification: Uncertain significance for Combined oxidative phosphorylation defect type 27. Last evaluated: 2024-10-22. Review status: criteria provided, single submitter. Criteria: Invitae Variant Classification Sherloc (09022015). Collection method: clinical testing. Allele origin: germline.
Comment: This sequence change replaces alanine, which is neutral and non-polar, with valine, which is neutral and non-polar, at codon 24 of the CARS2 protein (p.Ala24Val). The frequency data for this variant in the population databases is considered unreliable, as metrics indicate poor data quality at this position in the gnomAD database. This variant has not been reported in the literature in individuals affected with CARS2-related conditions. ClinVar contains an entry for this variant (Variation ID: 853912). Experimental studies and prediction algorithms are not available or were not evaluated, and the functional significance of this variant is currently unknown. In summary, the available evidence is currently insufficient to determine the role of this variant in disease. Therefore, it has been classified as a Variant of Uncertain Significance.